The following is an entry in ClinVar:

NM_001114753.3(ENG):c.742G>C (p.Asp248His)

Gene: ENG (endoglin; minus strand). Cytogenetic location: 9q34.11.
Variant type: single nucleotide variant.
Coding change: c.742G>C on transcript NM_001114753.3 (MANE Select); coding-DNA position 742, G replaced by C.
Protein change: p.Asp248His; replaces aspartic acid 248 with histidine.
Molecular consequence: missense variant.
Genome position (GRCh38, 1-based): chr9:127,825,305, C>G on the plus strand (G>C on the coding strand, the complement: ENG is on the minus strand). VCF-style: chr9-127825305-C-G. GRCh37 (hg19) VCF-style: chr9-130587584-C-G.
Other names: c.742G>C, p.Asp248His (NM_000118.4, NM_001406715.1); c.196G>C, p.Asp66His (NM_001278138.2); short protein forms D248H, D66H.
Identifiers: ClinVar variation 2412866 (VCV002412866.4), dbSNP rs775160533, ClinGen allele CA374983372.
Genomic context (GRCh38, chr9:127,825,305, plus strand): 5'-TGTGGTTGGCGTCGATGAGCCAGGACACGTAGGGGGGACCCTGCAGGATGAGGACGGCAT[C>G]GAGATCCCCGGGTGCGCAGCTCAGTTCCACCTTCACCGTCACCGTCCGGGGCCTGCGGGG-3'
Protein context (NP_001108225.1, residues 238-258): VELSCAPGDL[Asp248His]AVLILQGPPY

ClinVar aggregate classification (germline): Uncertain significance (1 of 4 stars; one submission).

Submission:

GeneDx
Classification: Uncertain significance. Last evaluated: 2022-07-27. Review status: criteria provided, single submitter. Criteria: GeneDx Variant Classification Process June 2021. Collection method: clinical testing. Allele origin: germline. Affected: yes.
Comment: Not observed at significant frequency in large population cohorts (gnomAD); In silico analysis supports that this missense variant has a deleterious effect on protein structure/function; Has not been previously published as pathogenic or benign to our knowledge